The following is an entry in ClinVar:

NM_001288705.3(CSF1R):c.1207G>T (p.Glu403Ter)

Gene: CSF1R (colony stimulating factor 1 receptor; minus strand). Cytogenetic location: 5q32.
Variant type: single nucleotide variant.
Coding change: c.1207G>T on transcript NM_001288705.3 (MANE Select); coding-DNA position 1207, G replaced by T.
Protein change: p.Glu403Ter; replaces glutamic acid 403 with a stop codon.
Molecular consequence: nonsense. On other transcripts: non-coding transcript variant (2).
Genome position (GRCh38, 1-based): chr5:150,070,294, C>A on the plus strand (G>T on the coding strand, the complement: CSF1R is on the minus strand). VCF-style: chr5-150070294-C-A. GRCh37 (hg19) VCF-style: chr5-149449857-C-A.
Other names: c.1207G>T, p.Glu403Ter (NM_001349736.2, NM_001375320.1, NM_005211.4); c.763G>T, p.Glu255Ter (NM_001375321.1); short protein forms E255*, E403*.
Identifiers: ClinVar variation 3898898 (VCV003898898.1).

ClinVar aggregate classification (germline): Likely pathogenic (1 of 4 stars; one submission).

Submission:

GeneDx
Classification: Likely pathogenic. Last evaluated: 2024-11-06. Review status: criteria provided, single submitter. Criteria: GeneDx Variant Classification Process June 2021. Collection method: clinical testing. Allele origin: germline. Affected: yes.
Comment: Nonsense variant predicted to result in protein truncation or nonsense mediated decay in a gene for which loss of function is a known mechanism of disease; Not observed at significant frequency in large population cohorts (gnomAD); Has not been previously published as pathogenic or benign to our knowledge